The following is an entry in ClinVar:

NM_012079.6(DGAT1):c.964C>T (p.Arg322Cys)

Gene: DGAT1 (diacylglycerol O-acyltransferase 1; minus strand). Cytogenetic location: 8q24.3.
Variant type: single nucleotide variant.
Coding change: c.964C>T on transcript NM_012079.6 (MANE Select); coding-DNA position 964, C replaced by T.
Protein change: p.Arg322Cys; replaces arginine 322 with cysteine.
Molecular consequence: missense variant.
Genome position (GRCh38, 1-based): chr8:144,317,561, G>A on the plus strand (C>T on the coding strand, the complement: DGAT1 is on the minus strand). VCF-style: chr8-144317561-G-A. GRCh37 (hg19) VCF-style: chr8-145541224-G-A.
Other names: short protein forms R322C.
Identifiers: ClinVar variation 1501272 (VCV001501272.3), dbSNP rs781798132, ClinGen allele CA4936742.

ClinVar aggregate classification (germline): Uncertain significance (1 of 4 stars; one submission).

Allele frequency attached by ClinVar (database versions not stated): ExAC 0.00002; gnomAD exomes 0.00002 and 0.00001; gnomAD 0.00003; TOPMed 0.00003.
gnomAD v4.1: 27 of 1,613,714 alleles (0.0017%); highest among the groups gnomAD compares: East Asian, 0.0022%; no homozygotes.

Submission:

Labcorp Genetics (formerly Invitae), Labcorp
Classification: Uncertain significance. Last evaluated: 2021-08-28. Review status: criteria provided, single submitter. Criteria: Invitae Variant Classification Sherloc (09022015). Collection method: clinical testing. Allele origin: germline.
Comment: This sequence change replaces arginine with cysteine at codon 322 of the DGAT1 protein (p.Arg322Cys). The arginine residue is highly conserved and there is a large physicochemical difference between arginine and cysteine. This variant is present in population databases (rs781798132, ExAC 0.01%). This variant has not been reported in the literature in individuals affected with DGAT1-related conditions. Algorithms developed to predict the effect of missense changes on protein structure and function (SIFT, PolyPhen-2, Align-GVGD) all suggest that this variant is likely to be disruptive. In summary, the available evidence is currently insufficient to determine the role of this variant in disease. Therefore, it has been classified as a Variant of Uncertain Significance.